The following is an entry in ClinVar:

NM_001369.3(DNAH5):c.10590T>A (p.Tyr3530Ter)

Gene: DNAH5 (dynein axonemal heavy chain 5; minus strand). Cytogenetic location: 5p15.2.
Variant type: single nucleotide variant.
Coding change: c.10590T>A on transcript NM_001369.3 (MANE Select); coding-DNA position 10590, T replaced by A.
Protein change: p.Tyr3530Ter; replaces tyrosine 3530 with a stop codon.
Molecular consequence: nonsense.
Genome position (GRCh38, 1-based): chr5:13,753,515, A>T on the plus strand (T>A on the coding strand, the complement: DNAH5 is on the minus strand). VCF-style: chr5-13753515-A-T. GRCh37 (hg19) VCF-style: chr5-13753624-A-T.
Other names: short protein forms Y3530*.
Identifiers: ClinVar variation 3645907 (VCV003645907.2).

ClinVar aggregate classification (germline): Pathogenic (1 of 4 stars; one submission).

Conditions:
Primary ciliary dyskinesia. Also called: Ciliary dyskinesia. Identifiers: Orphanet 244, MedGen C0008780, MONDO:0016575, HP:0012265.

Submission:

Labcorp Genetics (formerly Invitae), Labcorp
Classification: Pathogenic for Primary ciliary dyskinesia. Last evaluated: 2024-03-14. Review status: criteria provided, single submitter. Criteria: Invitae Variant Classification Sherloc (09022015). Collection method: clinical testing. Allele origin: germline.
Comment: This sequence change creates a premature translational stop signal (p.Tyr3530*) in the DNAH5 gene. It is expected to result in an absent or disrupted protein product. Loss-of-function variants in DNAH5 are known to be pathogenic (PMID: 11788826, 16627867). This variant is not present in population databases (gnomAD no frequency). This variant has not been reported in the literature in individuals affected with DNAH5-related conditions. For these reasons, this variant has been classified as Pathogenic.

Literature cited by the submitters: PubMed 11788826; PubMed 16627867.